The following is an entry in ClinVar:

NM_006642.5(SDCCAG8):c.12C>T (p.Ser4=)

Gene: SDCCAG8 (SHH signaling and ciliogenesis regulator SDCCAG8; plus strand). Cytogenetic location: 1q43.
Variant type: single nucleotide variant.
Coding change: c.12C>T on transcript NM_006642.5 (MANE Select); coding-DNA position 12, C replaced by T.
Protein change: p.Ser4=; no amino-acid change (serine 4 retained).
Molecular consequence: synonymous variant. On other transcripts: 5 prime UTR variant (4).
Genome position (GRCh38, 1-based): chr1:243,256,185, C>T. VCF-style: chr1-243256185-C-T. GRCh37 (hg19) VCF-style: chr1-243419487-C-T.
Other names: c.12C>T (NM_006642.3); c.-1101C>T (NM_001350246.2); c.-989C>T (NM_001350247.2); c.12C>T, p.Ser4= (NM_001350248.2); c.-296C>T (NM_001350249.2); c.-1362C>T (NM_001350251.2).
Identifiers: ClinVar variation 1985166 (VCV001985166.6), dbSNP rs577033259, ClinGen allele CA1483158.
Genomic context (GRCh38, chr1:243,256,185, plus strand): 5'-GCTGGACATTTCCCCACGTAACTCCCAGCTCTGGGCCTAGAGTGCGTGCATGGCGAAGTC[C>T]CCGGAGAACTCTACCCTGGAGGAGATTCTGGGGCAGTATCAACGGAGTCTCCGGGGTGAG-3'
Protein context (NP_006633.1, residues 1-14): MAK[Ser4=]PENSTLEEIL

ClinVar aggregate classification (germline): Likely benign. Review status: criteria provided, multiple submitters, no conflicts (2 of 4 stars). 3 submissions from 3 submitters: Likely benign (3). Last evaluated 2025-06-10.

Conditions:
Senior-Loken syndrome 7 (SLSN7). Identifiers: Orphanet 3156, MedGen C3150877, MONDO:0013326, OMIM 613615.
Bardet-Biedl syndrome 16 (BBS16). Identifiers: Orphanet 110, MedGen C3889474, MONDO:0014444, OMIM 615993.
SDCCAG8-related disorder. Also called: SDCCAG8-Related Disorders; SDCCAG8-related condition.

Allele frequency attached by ClinVar (database versions not stated): TOPMed 0.00002.
gnomAD v4.1: 36 of 1,614,058 alleles (0.0022%); highest among the groups gnomAD compares: Middle Eastern, 0.016%; no homozygotes.

Submissions (3):

Labcorp Genetics (formerly Invitae), Labcorp
Classification: Likely benign for Bardet-Biedl syndrome 16; Senior-Loken syndrome 7. Last evaluated: 2025-06-10. Review status: criteria provided, single submitter. Criteria: Invitae Variant Classification Sherloc (09022015). Collection method: clinical testing. Allele origin: germline.

PreventionGenetics, part of Exact Sciences
Classification: Likely benign for SDCCAG8-related condition. Last evaluated: 2025-03-04. Review status: criteria provided, single submitter. Criteria: ACMG Guidelines, 2015. Collection method: clinical testing. Allele origin: germline.
Comment: This variant is classified as likely benign based on ACMG/AMP sequence variant interpretation guidelines (Richards et al. 2015 PMID: 25741868, with internal and published modifications).

Blueprint Genetics
Classification: Likely benign. Last evaluated: 2018-11-23. Review status: criteria provided, single submitter. Criteria: ACMG Guidelines, 2015. Collection method: clinical testing. Allele origin: germline.